The following is an entry in ClinVar:

NM_198834.3(ACACA):c.4733A>G (p.Asp1578Gly)

Gene: ACACA (acetyl-CoA carboxylase alpha; minus strand). Cytogenetic location: 17q12.
Variant type: single nucleotide variant.
Coding change: c.4733A>G on transcript NM_198834.3 (MANE Select); coding-DNA position 4733, A replaced by G.
Protein change: p.Asp1578Gly; replaces aspartic acid 1578 with glycine.
Molecular consequence: missense variant.
Genome position (GRCh38, 1-based): chr17:37,188,320, T>C on the plus strand (A>G on the coding strand, the complement: ACACA is on the minus strand). VCF-style: chr17-37188320-T-C. GRCh37 (hg19) VCF-style: chr17-35545260-T-C.
Other names: c.4622A>G, p.Asp1541Gly (NM_198836.3, NM_198839.3); c.4448A>G, p.Asp1483Gly (NM_198837.2); c.4388A>G, p.Asp1463Gly (NM_198838.2); short protein forms D1483G, D1541G, D1578G, D1463G.
Identifiers: ClinVar variation 3639906 (VCV003639906.2).
Genomic context (GRCh38, chr17:37,188,320, plus strand): 5'-CTGTTTGAGTATTGTACCTGTGCTGTCCTGGAGTCAGTCACTTCCTTGTATAGGCTGATA[T>C]CCAAGTAATAGCCAGACTCGTTTGTCAGGAAGAGGCGGATGGGAATTGCTTTTCCAGTTG-3'
Protein context (NP_942131.1, residues 1568-1588): FLTNESGYYL[Asp1578Gly]ISLYKEVTDS

ClinVar aggregate classification (germline): Uncertain significance (1 of 4 stars; one submission).

gnomAD v4.1: 1 of 1,613,982 alleles (0.000062%); highest among the groups gnomAD compares: Non-Finnish European, 0.000085%; no homozygotes.

Submission:

Labcorp Genetics (formerly Invitae), Labcorp
Classification: Uncertain significance. Last evaluated: 2024-10-11. Review status: criteria provided, single submitter. Criteria: Invitae Variant Classification Sherloc (09022015). Collection method: clinical testing. Allele origin: germline.
Comment: This sequence change replaces aspartic acid, which is acidic and polar, with glycine, which is neutral and non-polar, at codon 1541 of the ACACA protein (p.Asp1541Gly). This variant is not present in population databases (gnomAD no frequency). This variant has not been reported in the literature in individuals affected with ACACA-related conditions. An algorithm developed to predict the effect of missense changes on protein structure and function (PolyPhen-2) suggests that this variant is likely to be tolerated. In summary, the available evidence is currently insufficient to determine the role of this variant in disease. Therefore, it has been classified as a Variant of Uncertain Significance.